The following is an entry in ClinVar:

ClinVar aggregate classification (germline): Benign (1 of 4 stars; one submission).

Conditions:
Obesity due to SIM1 deficiency. Identifiers: Orphanet 369873, MedGen C5191050, MONDO:0018244.

Allele frequency attached by ClinVar (database versions not stated): gnomAD exomes 0.00082; gnomAD 0.00259 and 0.00287; 1000 Genomes Project 30x 0.00297; 1000 Genomes Project 0.00300; TOPMed 0.00324.
gnomAD v4.1: 629 of 396,680 alleles (0.16%); highest among the groups gnomAD compares: Middle Eastern, 0.95%; 2 homozygotes.

Submission:

Illumina Laboratory Services, Illumina
Classification: Benign for Obesity due to SIM1 deficiency. Last evaluated: 2018-03-12. Review status: criteria provided, single submitter. Criteria: ICSL Variant Classification Criteria 13 December 2019. Collection method: clinical testing. Allele origin: germline.
Comment: This variant was observed in the ICSL laboratory as part of a predisposition screen in an ostensibly healthy population. It had not been previously curated by ICSL or reported in the Human Gene Mutation Database (HGMD: prior to June 1st, 2018), and was therefore a candidate for classification through an automated scoring system. Utilizing variant allele frequency, disease prevalence and penetrance estimates, and inheritance mode, an automated score was calculated to assess if this variant is too frequent to cause the disease. Based on the score and internal cut-off values, a variant classified as benign is not then subjected to further curation. The score for this variant resulted in a classification of benign for this disease.

NM_005068.3(SIM1):c.*470C>T

Gene: SIM1 (SIM bHLH transcription factor 1; minus strand). Cytogenetic location: 6q16.3.
Variant type: single nucleotide variant.
Coding change: c.*470C>T on transcript NM_005068.3 (MANE Select); 470 bases downstream of the stop codon, C replaced by T.
Molecular consequence: 3 prime UTR variant.
Genome position (GRCh38, 1-based): chr6:100,389,891, G>A on the plus strand (C>T on the coding strand, the complement: SIM1 is on the minus strand). VCF-style: chr6-100389891-G-A. GRCh37 (hg19) VCF-style: chr6-100837767-G-A.
Other names: c.*470C>T (NM_001374769.1).
Identifiers: ClinVar variation 905949 (VCV000905949.4), dbSNP rs139499643, ClinGen allele CA144530132.